The following is an entry in ClinVar:

NM_001277115.2(DNAH11):c.13494_13500del (p.Ser4498fs)

Genes: CDCA7L (cell division cycle associated 7 like; minus strand), DNAH11 (dynein axonemal heavy chain 11; plus strand). Cytogenetic location: 7p15.3.
Variant type: Deletion.
Coding change: c.13494_13500del on transcript NM_001277115.2 (MANE Select); coding-DNA positions 13494 to 13500, 7 bases deleted (CGAAGAG; older notation c.13494_13500delCGAAGAG).
Protein change: p.Ser4498fs; shifts the reading frame from serine 4498.
Molecular consequence: frameshift variant. On other transcripts: 3 prime UTR variant (3).
Genome position (GRCh38, 1-based): chr7:21,901,197-21,901,203, CGAAGAG deleted; deleting any 7 consecutive bases within chr7:21,901,191-21,901,203 gives the same sequence; the c. name uses the placement nearest the transcript's 3' end. VCF-style (leftmost placement, unchanged base first): chr7-21901190-TGAAGAGC-T. GRCh37 (hg19) VCF-style: chr7-21940808-TGAAGAGC-T.
Other names: c.*1125_*1131del (NM_001127370.3, NM_001127371.3, NM_018719.5); short protein forms S4498fs.
Identifiers: ClinVar variation 454661 (VCV000454661.7), dbSNP rs1212535211, ClinGen allele CA454140444.

ClinVar aggregate classification (germline): Pathogenic (1 of 4 stars; one submission).

Conditions:
Primary ciliary dyskinesia. Also called: Ciliary dyskinesia. Identifiers: Orphanet 244, MedGen C0008780, MONDO:0016575, HP:0012265.

Submission:

Labcorp Genetics (formerly Invitae), Labcorp
Classification: Pathogenic for Primary ciliary dyskinesia. Last evaluated: 2025-08-21. Review status: criteria provided, single submitter. Criteria: Invitae Variant Classification Sherloc (09022015). Collection method: clinical testing. Allele origin: germline.
Comment: This sequence change creates a premature translational stop signal (p.Ser4498Argfs*15) in the DNAH11 gene. While this is not anticipated to result in nonsense mediated decay, it is expected to disrupt the last 19 amino acid(s) of the DNAH11 protein. This variant is not present in population databases (gnomAD no frequency). This premature translational stop signal has been observed in individual(s) with primary ciliary dyskinesia (PMID: 31650533; internal data). ClinVar contains an entry for this variant (Variation ID: 454661). This variant disrupts a region of the DNAH11 protein in which other variant(s) (p.Trp4505Serfs*10) have been determined to be pathogenic (internal data). This suggests that this is a clinically significant region of the protein, and that variants that disrupt it are likely to be disease-causing. For these reasons, this variant has been classified as Pathogenic.

Literature cited by the submitters: PubMed 31650533.